The following is an entry in ClinVar:

NM_006767.4(LZTR1):c.3G>T (p.Met1Ile)

Genes: LZTR1 (leucine zipper like post translational regulator 1; plus strand), LOC130067016 (ATAC-STARR-seq lymphoblastoid silent region 13504; plus strand). Cytogenetic location: 22q11.21.
Variant type: single nucleotide variant.
Coding change: c.3G>T on transcript NM_006767.4 (MANE Select); coding-DNA position 3, G replaced by T.
Protein change: p.Met1Ile; changes the start codon (methionine 1).
Molecular consequence: missense variant, initiator codon variant.
Genome position (GRCh38, 1-based): chr22:20,982,374, G>T. VCF-style: chr22-20982374-G-T. GRCh37 (hg19) VCF-style: chr22-21336663-G-T.
Other names: c.3G>T (NM_006767.3); short protein forms M1I.
Identifiers: ClinVar variation 1515988 (VCV001515988.9), dbSNP rs1214659869, ClinGen allele CA410777385.

ClinVar aggregate classification (germline): Conflicting classifications of pathogenicity. Review status: criteria provided, conflicting classifications (1 of 4 stars). 2 submissions from 2 submitters: Pathogenic (1); Uncertain significance (1). Last evaluated 2026-03-19.

Conditions:
Hereditary cancer-predisposing syndrome. Also called: Tumor predisposition; Neoplastic Syndromes, Hereditary; Hereditary Cancer Syndrome; Hereditary neoplastic syndrome. Identifiers: Orphanet 140162, MedGen C0027672, MeSH D009386, MONDO:0015356.
Cardiovascular phenotype. Identifiers: MedGen CN230736.

Submissions (2):

Ambry Genetics
Classification: Pathogenic for Cardiovascular phenotype; Hereditary cancer-predisposing syndrome. Last evaluated: 2026-03-19. Review status: criteria provided, single submitter. Criteria: Ambry Variant Classification Scheme 2023. Collection method: clinical testing. Allele origin: germline.
Comment: The p.M1? pathogenic mutation (also known as c.3G>T) is located in coding exon 1 of the LZTR1 gene and results from a G to T substitution at nucleotide position 3. This alters the methionine residue at the initiation codon (ATG). This variant is considered to be rare based on population cohorts in the Genome Aggregation Database (gnomAD). This amino acid position is highly conserved in available vertebrate species. Sequence variations that modify the initiation codon are expected to result in either loss of translation initiation, N-terminal truncation, or cause a shift in the mRNA reading frame. Loss-of-function variants in LZTR1 are related to an increased risk for schwannomas and autosomal recessive Noonan syndrome; however, such associations with autosomal dominant Noonan syndrome have not been observed (Piotrowski A et al. Nat Genet. 2014 Feb;46:182-7; Yamamoto GL et al. J Med Genet. 2015 Jun;52:413-21; Johnston JJ et al. Genet Med. 2018 10;20:1175-1185). Based on the supporting evidence, this variant is pathogenic for an increased risk of LZTR1-related schwannomatosis (SWN) and would be expected to cause autosomal recessive Noonan syndrome when present along with a second pathogenic or likely pathogenic variant on the other allele; however, the association of this variant with autosomal dominant Noonan syndrome is unlikely.

Labcorp Genetics (formerly Invitae), Labcorp
Classification: Uncertain significance. Last evaluated: 2026-01-07. Review status: criteria provided, single submitter. Criteria: Invitae Variant Classification Sherloc (09022015). Collection method: clinical testing. Allele origin: germline.
Comment: This sequence change affects the initiator codon of the LZTR1 mRNA. This change may impact translation initiation or efficiency. The next in-frame methionine is located at codon 91. This variant is not present in population databases (gnomAD no frequency). Disruption of the initiator codon has been observed in individual(s) with autosomal recessive Noonan syndrome (PMID: 33897756). In at least one individual the data is consistent with being in trans (on the opposite chromosome) from a pathogenic variant. ClinVar contains an entry for this variant (Variation ID: 1515988). Experimental studies and prediction algorithms are not available or were not evaluated, and the functional significance of this variant is currently unknown. In summary, the available evidence is currently insufficient to determine the role of this variant in disease. Therefore, it has been classified as a Variant of Uncertain Significance.

Literature cited by the submitters: PubMed 33897756 (cited by Labcorp Genetics (formerly Invitae), Labcorp).